The following is an entry in ClinVar:

NM_001967.4(EIF4A2):c.808dup (p.Thr270fs)

Gene: EIF4A2 (eukaryotic translation initiation factor 4A2; plus strand). Cytogenetic location: 3q27.3.
Variant type: Duplication.
Coding change: c.808dup on transcript NM_001967.4 (MANE Select); coding-DNA position 808, one base duplicated (A; older notation c.808dupA).
Protein change: p.Thr270fs; shifts the reading frame from threonine 270.
Molecular consequence: frameshift variant.
Genome position (GRCh38, 1-based): chr3:186,787,163, A duplicated. VCF-style (leftmost placement, unchanged base first): chr3-186787162-G-GA. GRCh37 (hg19) VCF-style: chr3-186504951-G-GA.
Other names: short protein forms T270fs.
Identifiers: ClinVar variation 3024524 (VCV003024524.2), dbSNP rs2473974042, ClinGen allele CA2740091070.
Genomic context (GRCh38, chr3:186,787,162, plus strand): 5'-TAACTTTAACTTCTAAACATTACAGGAATGGAAGTTGGATACACTTTGTGACTTGTACGA[G>GA]ACACTGACCATTACACAGGCTGTTATTTTTCTCAATACGAGGCGCAAGGTGGACTGGCTG-3'

ClinVar aggregate classification (germline): Uncertain significance (1 of 4 stars; one submission).

Conditions:
Neurodevelopmental disorder with hypotonia and speech delay, with or without seizures (NEDHSS). Identifiers: MedGen C5830654, MONDO:0957541, OMIM 620455.

Submission:

Institute of Human Genetics, University of Leipzig Medical Center
Classification: Uncertain significance for Neurodevelopmental disorder with hypotonia and speech delay, with or without seizures. Last evaluated: 2024-02-15. Review status: criteria provided, single submitter. Criteria: ACMG Guidelines, 2015. Collection method: clinical testing. Allele origin: unknown. Inheritance: Autosomal dominant inheritance. Affected: yes.
Comment: Criteria applied: PVS1_MOD, PM2_SUP